The following is an entry in ClinVar:

NM_000092.5(COL4A4):c.3263G>T (p.Gly1088Val)

Gene: COL4A4 (collagen type IV alpha 4 chain; minus strand). Cytogenetic location: 2q36.3.
Variant type: single nucleotide variant.
Coding change: c.3263G>T on transcript NM_000092.5 (MANE Select); coding-DNA position 3263, G replaced by T.
Protein change: p.Gly1088Val; replaces glycine 1088 with valine.
Molecular consequence: missense variant.
Genome position (GRCh38, 1-based): chr2:227,047,501, C>A on the plus strand (G>T on the coding strand, the complement: COL4A4 is on the minus strand). VCF-style: chr2-227047501-C-A. GRCh37 (hg19) VCF-style: chr2-227912217-C-A.
Other names: short protein forms G1088V.
Identifiers: ClinVar variation 3061905 (VCV003061905.1), dbSNP rs2150149041, ClinGen allele CA350838669.

ClinVar aggregate classification (germline): Likely pathogenic (1 of 4 stars; one submission).

Conditions:
Autosomal recessive Alport syndrome (ATS2). Also called: Alport syndrome type 2; COL4A3-Related Nephropathy; COL4A4 Alport Syndrome and Thin Basement Membrane Nephropathy; ALPORT SYNDROME 2, AUTOSOMAL RECESSIVE. Identifiers: Orphanet 63, Orphanet 88919, MedGen C4746745, MONDO:0008762, OMIM 203780.

Submission:

MVZ Medizinische Genetik Mainz
Classification: Likely pathogenic for Autosomal recessive Alport syndrome. Last evaluated: 2021-09-23. Review status: criteria provided, single submitter. Criteria: UK Practice Guidelines For Variant Classification V4 01 2020. Collection method: clinical testing. Allele origin: germline. Inheritance: Autosomal dominant inheritance. Affected: yes. Observed: 1 variant allele.
Comment: PM1_STR, PM2_SUP, PP3, PP4 (ACMG Version 3)